The following is an entry in ClinVar:

ClinVar aggregate classification (germline): Uncertain significance (1 of 4 stars; one submission).

Conditions:
Familial cancer of breast. Also called: hereditary breast carcinoma; BREAST CANCER, FAMILIAL; Hereditary breast cancer. Identifiers: Orphanet 227535, MedGen C0346153, MONDO:0016419, OMIM 114480. Disease mechanism: loss of function.

Submission:

Labcorp Genetics (formerly Invitae), Labcorp
Classification: Uncertain significance for Familial cancer of breast. Last evaluated: 2025-01-08. Review status: criteria provided, single submitter. Criteria: Invitae Variant Classification Sherloc (09022015). Collection method: clinical testing. Allele origin: germline.
Comment: This sequence change replaces leucine, which is neutral and non-polar, with valine, which is neutral and non-polar, at codon 120 of the BARD1 protein (p.Leu120Val). This variant is not present in population databases (gnomAD no frequency). This variant has not been reported in the literature in individuals affected with BARD1-related conditions. ClinVar contains an entry for this variant (Variation ID: 1722099). An algorithm developed to predict the effect of missense changes on protein structure and function (PolyPhen-2) suggests that this variant is likely to be tolerated. In summary, the available evidence is currently insufficient to determine the role of this variant in disease. Therefore, it has been classified as a Variant of Uncertain Significance.

NM_000465.4(BARD1):c.358C>G (p.Leu120Val)

Gene: BARD1 (BRCA1 associated RING domain 1; minus strand). Cytogenetic location: 2q35.
Variant type: single nucleotide variant.
Coding change: c.358C>G on transcript NM_000465.4 (MANE Select); coding-DNA position 358, C replaced by G.
Protein change: p.Leu120Val; replaces leucine 120 with valine.
Molecular consequence: missense variant. On other transcripts: non-coding transcript variant (1), intron variant (2).
Genome position (GRCh38, 1-based): chr2:214,792,303, G>C on the plus strand (C>G on the coding strand, the complement: BARD1 is on the minus strand). VCF-style: chr2-214792303-G-C. GRCh37 (hg19) VCF-style: chr2-215657027-G-C.
Other names: c.301C>G, p.Leu101Val (NM_001282543.2); c.358C>G, p.Leu120Val (NM_001282549.2); c.158+17109C>G (NM_001282548.2); c.215+4758C>G (NM_001282545.2); short protein forms L101V, L120V.
Identifiers: ClinVar variation 1722099 (VCV001722099.5), dbSNP rs2469560103, ClinGen allele CA350460739.